The following is an entry in ClinVar:

NM_032888.4(COL27A1):c.3259G>A (p.Gly1087Arg)

Gene: COL27A1 (collagen type XXVII alpha 1 chain; plus strand). Cytogenetic location: 9q32.
Variant type: single nucleotide variant.
Coding change: c.3259G>A on transcript NM_032888.4 (MANE Select); coding-DNA position 3259, G replaced by A.
Protein change: p.Gly1087Arg; replaces glycine 1087 with arginine.
Molecular consequence: missense variant.
Genome position (GRCh38, 1-based): chr9:114,264,933, G>A. VCF-style: chr9-114264933-G-A. GRCh37 (hg19) VCF-style: chr9-117027213-G-A.
Other names: short protein forms G1087R.
Identifiers: ClinVar variation 3366792 (VCV003366792.1).

ClinVar aggregate classification (germline): Uncertain significance (1 of 4 stars; one submission).

Submission:

Women's Health and Genetics/Laboratory Corporation of America, LabCorp
Classification: Uncertain significance. Last evaluated: 2024-08-14. Review status: criteria provided, single submitter. Criteria: LabCorp Variant Classification Summary - May 2015. Collection method: clinical testing. Allele origin: germline.
Comment: Variant summary: COL27A1 c.3259G>A (p.Gly1087Arg) results in a non-conservative amino acid change in the encoded protein sequence. Five of five in-silico tools predict a damaging effect of the variant on protein function. The variant was absent in 250486 control chromosomes (gnomAD). The available data on variant occurrences in the general population are insufficient to allow any conclusion about variant significance. To our knowledge, no occurrence of c.3259G>A in individuals affected with Steel syndrome and no experimental evidence demonstrating its impact on protein function have been reported. No submitters have cited clinical-significance assessments for this variant to ClinVar. Based on the evidence outlined above, the variant was classified as uncertain significance.